The following is an entry in ClinVar:

ClinVar aggregate classification (germline): Likely benign (0 of 4 stars; one submission).

Conditions:
PDZD7-related disorder. Also called: PDZD7-related condition; PDZD7-related disorders.

Submission:

PreventionGenetics, part of Exact Sciences
Classification: Likely benign for PDZD7-related condition. Last evaluated: 2023-12-08. Review status: no assertion criteria provided. Collection method: clinical testing. Allele origin: germline.
Comment: This variant is classified as likely benign based on ACMG/AMP sequence variant interpretation guidelines (Richards et al. 2015 PMID: 25741868, with internal and published modifications).

NM_001195263.2(PDZD7):c.1325-15C>G

Gene: PDZD7 (PDZ domain containing 7; minus strand). Cytogenetic location: 10q24.31.
Variant type: single nucleotide variant.
Coding change: c.1325-15C>G on transcript NM_001195263.2 (MANE Select); 15 bases into the intron before coding-DNA position 1325, C replaced by G.
Molecular consequence: intron variant. On other transcripts: synonymous variant (1).
Genome position (GRCh38, 1-based): chr10:101,018,311, G>C on the plus strand (C>G on the coding strand, the complement: PDZD7 is on the minus strand). VCF-style: chr10-101018311-G-C. GRCh37 (hg19) VCF-style: chr10-102778068-G-C.
Other names: c.1338C>G, p.Leu446= (NM_001351044.2); c.1325-15C>G (NM_024895.5).
Identifiers: ClinVar variation 3053850 (VCV003053850.2), dbSNP rs1564633376, ClinGen allele CA2740093510.